The following is an entry in ClinVar:

NM_018026.4(PACS1):c.1595A>G (p.Glu532Gly)

Gene: PACS1 (phosphofurin acidic cluster sorting protein 1; plus strand). Cytogenetic location: 11q13.2.
Variant type: single nucleotide variant.
Coding change: c.1595A>G on transcript NM_018026.4 (MANE Select); coding-DNA position 1595, A replaced by G.
Protein change: p.Glu532Gly; replaces glutamic acid 532 with glycine.
Molecular consequence: missense variant.
Genome position (GRCh38, 1-based): chr11:66,230,909, A>G. VCF-style: chr11-66230909-A-G. GRCh37 (hg19) VCF-style: chr11-65998380-A-G.
Other names: short protein forms E532G.
Identifiers: ClinVar variation 2093194 (VCV002093194.4), dbSNP rs952941089, ClinGen allele CA224033077.

ClinVar aggregate classification (germline): Uncertain significance (1 of 4 stars; one submission).

Conditions:
Schuurs-Hoeijmakers syndrome. Also called: PACS1-Related Neurodevelopmental Disorder. Identifiers: Orphanet 329224, MedGen C3554343, MONDO:0014006, OMIM 615009.

Allele frequency attached by ClinVar (database versions not stated): gnomAD 0.00002; gnomAD exomes below 0.00001.

Submission:

Labcorp Genetics (formerly Invitae), Labcorp
Classification: Uncertain significance for Schuurs-Hoeijmakers syndrome. Last evaluated: 2022-02-04. Review status: criteria provided, single submitter. Criteria: Invitae Variant Classification Sherloc (09022015). Collection method: clinical testing. Allele origin: germline.
Comment: In summary, the available evidence is currently insufficient to determine the role of this variant in disease. Therefore, it has been classified as a Variant of Uncertain Significance. Algorithms developed to predict the effect of missense changes on protein structure and function are either unavailable or do not agree on the potential impact of this missense change (SIFT: "Deleterious"; PolyPhen-2: "Probably Damaging"; Align-GVGD: "Class C0"). This variant has not been reported in the literature in individuals affected with PACS1-related conditions. This variant is present in population databases (no rsID available, gnomAD 0.007%). This sequence change replaces glutamic acid, which is acidic and polar, with glycine, which is neutral and non-polar, at codon 532 of the PACS1 protein (p.Glu532Gly).